The following is an entry in ClinVar:

NM_001378477.3(NYX):c.856_857delinsAA (p.Ala286Asn)

Gene: NYX (nyctalopin; plus strand). Cytogenetic location: Xp11.4.
Variant type: Indel.
Coding change: c.856_857delinsAA on transcript NM_001378477.3 (MANE Select); coding-DNA positions 856 to 857, GC replaced by AA.
Protein change: p.Ala286Asn; replaces alanine 286 with asparagine.
Molecular consequence: missense variant.
Genome position (GRCh38, 1-based): chrX:41,474,324-41,474,325, GC replaced by AA. VCF-style: chrX-41474324-GC-AA. GRCh37 (hg19) VCF-style: chrX-41333577-GC-AA.
Other names: c.856_857delinsAA, p.Ala286Asn (NM_022567.3); short protein forms A286N.
Identifiers: ClinVar variation 1057836 (VCV001057836.9), dbSNP rs2147026128, ClinGen allele CA2499226715.

ClinVar aggregate classification (germline): Uncertain significance (1 of 4 stars; one submission).

Submission:

Labcorp Genetics (formerly Invitae), Labcorp
Classification: Uncertain significance. Last evaluated: 2024-10-22. Review status: criteria provided, single submitter. Criteria: Invitae Variant Classification Sherloc (09022015). Collection method: clinical testing. Allele origin: germline.
Comment: This sequence change replaces alanine, which is neutral and non-polar, with asparagine, which is neutral and polar, at codon 291 of the NYX protein (p.Ala291Asn). This variant is present in population databases (no rsID available, gnomAD 0.0006%). This variant has not been reported in the literature in individuals affected with NYX-related conditions. ClinVar contains an entry for this variant (Variation ID: 1057836). An algorithm developed to predict the effect of missense changes on protein structure and function (PolyPhen-2) suggests that this variant is likely to be tolerated. In summary, the available evidence is currently insufficient to determine the role of this variant in disease. Therefore, it has been classified as a Variant of Uncertain Significance.